The following is an entry in ClinVar:

ClinVar aggregate classification (germline): Uncertain significance. Review status: criteria provided, multiple submitters, no conflicts (2 of 4 stars). 2 submissions from 2 submitters: Uncertain significance (2). Last evaluated 2024-11-03.

Conditions:
Hypertrophic cardiomyopathy 25 (CMH25). Also called: CARDIOMYOPATHY, FAMILIAL HYPERTROPHIC, 25. Identifiers: MedGen C4225408, MONDO:0011843, OMIM 607487.
Primary familial hypertrophic cardiomyopathy (HCM). Identifiers: Orphanet 99739, MedGen C0949658, MeSH D024741, MONDO:0024573. Inheritance: Various modes of inheritance.

Submissions (2):

Labcorp Genetics (formerly Invitae), Labcorp
Classification: Uncertain significance for Hypertrophic cardiomyopathy 25; Primary familial hypertrophic cardiomyopathy. Last evaluated: 2024-11-03. Review status: criteria provided, single submitter. Criteria: Invitae Variant Classification Sherloc (09022015). Collection method: clinical testing. Allele origin: germline.
Comment: This sequence change replaces glycine, which is neutral and non-polar, with serine, which is neutral and polar, at codon 167 of the TCAP protein (p.Gly167Ser). This variant is not present in population databases (gnomAD no frequency). This variant has not been reported in the literature in individuals affected with TCAP-related conditions. ClinVar contains an entry for this variant (Variation ID: 202107). An algorithm developed to predict the effect of missense changes on protein structure and function (PolyPhen-2) suggests that this variant is likely to be disruptive. In summary, the available evidence is currently insufficient to determine the role of this variant in disease. Therefore, it has been classified as a Variant of Uncertain Significance.

GeneDx
Classification: Uncertain significance. Last evaluated: 2014-08-27. Review status: criteria provided, single submitter. Criteria: GeneDx Variant Classification (06012015). Collection method: clinical testing. Allele origin: germline. Affected: yes.
Comment: p.Gly167Ser (GGC>AGC): c.499 G>A in exon 2 of the TCAP gene (NM_003673.3). Although rare, mutations in the TCAP gene have been reported in association with hypertrophic cardiomyopathy and dilated cardiomyopathy (Hayashi T et al., 2004). A variant of unknown significance has been identified in the TCAP gene. The G167S variant has not been published as a mutation, nor has it been reported as a benign polymorphism to our knowledge. The G167S variant was not observed in approximately 6,400 individuals of European and African American ancestry in the NHLBI Exome Sequencing Project, indicating it is not a common benign variant in these populations. The G167S variant is a non-conservative amino acid substitution, which is likely to impact secondary protein structure as these residues differ in polarity, charge, size and/or other properties. Additionally, this substitution occurs at a position that is conserved across species and in silico analysis predicts this variant is probably damaging to the protein structure/function. However, only one missense mutation in a nearby residue (R158C) has been reported in association with DCM, indicating this region of the protein may be tolerant of change. Therefore, based on the currently available information, it is unclear whether this variant is a pathogenic mutation or a rare benign variant. The variant is found in DCM-CRDM panel(s).

NM_003673.4(TCAP):c.499G>A (p.Gly167Ser)

Gene: TCAP (titin-cap; plus strand). Cytogenetic location: 17q12.
Variant type: single nucleotide variant.
Coding change: c.499G>A on transcript NM_003673.4 (MANE Select); coding-DNA position 499, G replaced by A.
Protein change: p.Gly167Ser; replaces glycine 167 with serine.
Molecular consequence: missense variant.
Genome position (GRCh38, 1-based): chr17:39,666,104, G>A. VCF-style: chr17-39666104-G-A. GRCh37 (hg19) VCF-style: chr17-37822357-G-A.
Other names: p.G167S:GGC>AGC; short protein forms G167S.
Identifiers: ClinVar variation 202107 (VCV000202107.12), dbSNP rs794729177, ClinGen allele CA308832.